The following is an entry in ClinVar:

ClinVar aggregate classification (germline): Uncertain significance (1 of 4 stars; one submission).

Conditions:
VWF-related disorder. Also called: VWF-related condition; VWF-related disorders.

Submission:

PreventionGenetics, part of Exact Sciences
Classification: Uncertain significance for VWF-related condition. Last evaluated: 2023-03-14. Review status: criteria provided, single submitter. Criteria: ACMG Guidelines, 2015. Collection method: clinical testing. Allele origin: germline.
Comment: The VWF c.479G>A variant is predicted to result in the amino acid substitution p.Gly160Glu. To our knowledge, this variant has not been reported in the literature. However, different missense variants in the same codon (p.Gly160Arg and p.Gly160Trp) have been reported in individuals with Von Willebrand disease type 1 or type 3 (Goodeve et al. 2007. PubMed ID: 16985174; Kasatkar et al. 2014. PubMed ID: 24675615; Liang et al. 2017. PubMed ID: 28536718) suggesting that substitution of amino acid residue p.Gly160 is not tolerated. This variant is not reported in a large population database, indicating this variant is rare. Although we suspect that this variant may be pathogenic, at this time, the clinical significance of this variant is uncertain due to the absence of conclusive functional and genetic evidence.

NM_000552.5(VWF):c.479G>A (p.Gly160Glu)

Gene: VWF (von Willebrand factor; minus strand). Cytogenetic location: 12p13.31.
Variant type: single nucleotide variant.
Coding change: c.479G>A on transcript NM_000552.5 (MANE Select); coding-DNA position 479, G replaced by A.
Protein change: p.Gly160Glu; replaces glycine 160 with glutamic acid.
Molecular consequence: missense variant.
Genome position (GRCh38, 1-based): chr12:6,110,427, C>T on the plus strand (G>A on the coding strand, the complement: VWF is on the minus strand). VCF-style: chr12-6110427-C-T. GRCh37 (hg19) VCF-style: chr12-6219593-C-T.
Other names: short protein forms G160E.
Identifiers: ClinVar variation 2633515 (VCV002633515.1), dbSNP rs2497298930, ClinGen allele CA383518167.
Genomic context (GRCh38, chr12:6,110,427, plus strand): 5'-ATCTTACCTTCTTGGGTCATAAAGTCATCTTCAGCAAAGATGTTAAAGTTGCCACACAGC[C>T]CGCAGGTCTTGTTGAAGTATCTGTCTGACAGCAGGACTTGAAAGTTGCCGCTGCCATCGA-3'
Protein context (NP_000543.3, residues 150-170): LSDRYFNKTC[Gly160Glu]LCGNFNIFAE